The following is an entry in ClinVar:

ClinVar aggregate classification (germline): Uncertain significance (1 of 4 stars; one submission).

Conditions:
Hereditary cancer-predisposing syndrome. Also called: Neoplastic Syndromes, Hereditary; Tumor predisposition; Hereditary neoplastic syndrome; Hereditary Cancer Syndrome. Identifiers: Orphanet 140162, MedGen C0027672, MeSH D009386, MONDO:0015356.

Submission:

Ambry Genetics
Classification: Uncertain significance for Hereditary cancer-predisposing syndrome. Last evaluated: 2026-07-06. Review status: criteria provided, single submitter. Criteria: Ambry Variant Classification Scheme 2023. Collection method: clinical testing. Allele origin: germline.
Comment: The p.S251F variant (also known as c.752C>T), located in coding exon 1 of the AXIN2 gene, results from a C to T substitution at nucleotide position 752. The serine at codon 251 is replaced by phenylalanine, an amino acid with highly dissimilar properties. This amino acid position is conserved. In addition, this alteration is predicted to be deleterious by in silico analysis. Based on the available evidence, the clinical significance of this variant remains unclear.

NM_004655.4(AXIN2):c.752C>T (p.Ser251Phe)

Gene: AXIN2 (axin 2; minus strand). Cytogenetic location: 17q24.1.
Variant type: single nucleotide variant.
Coding change: c.752C>T on transcript NM_004655.4 (MANE Select); coding-DNA position 752, C replaced by T.
Protein change: p.Ser251Phe; replaces serine 251 with phenylalanine.
Molecular consequence: missense variant.
Genome position (GRCh38, 1-based): chr17:65,557,869, G>A on the plus strand (C>T on the coding strand, the complement: AXIN2 is on the minus strand). VCF-style: chr17-65557869-G-A. GRCh37 (hg19) VCF-style: chr17-63553987-G-A.
Other names: c.752C>T, p.Ser251Phe (NM_001363813.1); short protein forms S251F.
Identifiers: ClinVar variation 5032574 (VCV005032574.1).